The following is an entry in ClinVar:

ClinVar aggregate classification (germline): Pathogenic (1 of 4 stars; one submission).

Conditions:
Deficiency of alpha-mannosidase (MANSA). Also called: LYSOSOMAL ALPHA-D-MANNOSIDASE DEFICIENCY; Alpha-Mannosidosis; Mannosidosis, alpha-, types I and II. Identifiers: Orphanet 61, MedGen C0024748, MONDO:0009561, OMIM 248500.

Submission:

Labcorp Genetics (formerly Invitae), Labcorp
Classification: Pathogenic for Deficiency of alpha-mannosidase. Last evaluated: 2022-04-04. Review status: criteria provided, single submitter. Criteria: Invitae Variant Classification Sherloc (09022015). Collection method: clinical testing. Allele origin: germline.
Comment: For these reasons, this variant has been classified as Pathogenic. A similar copy number variant has been observed in individual(s) with alpha-mannosidosis (PMID: 32331969). This variant is a gross deletion of the genomic region encompassing exon(s) 1-10 of the MAN2B1 gene, which includes the initiator codon. This deletion extends beyond the assayed region for this gene and therefore may encompass additional genes. It is expected to result in an absent or disrupted protein product. Loss-of-function variants in MAN2B1 are known to be pathogenic (PMID: 9915946, 22161967).

Literature cited by the submitters: PubMed 32331969; PubMed 9915946; PubMed 22161967.

NC_000019.9:g.(?_12768857)_(12780217_?)del

Genes: MAN2B1 (mannosidase alpha class 2B member 1; minus strand), WDR83 (WD repeat domain 83; plus strand), WDR83OS (WD repeat domain 83 opposite strand; minus strand). Cytogenetic location: 19p13.2.
Variant type: Deletion.
Identifiers: ClinVar variation 2423225 (VCV002423225.4).